The following is an entry in ClinVar:

ClinVar aggregate classification (germline): Conflicting classifications of pathogenicity. Review status: criteria provided, conflicting classifications (1 of 4 stars). 2 submissions from 2 submitters: Uncertain significance (1); Likely benign (1). Last evaluated 2018-03-19.

Allele frequency attached by ClinVar (database versions not stated): gnomAD exomes below 0.00001.
gnomAD v4.1: 2 of 1,612,440 alleles (0.00012%); highest among the groups gnomAD compares: Non-Finnish European, 0.00017%; no homozygotes.

Submissions (2):

Eurofins Ntd Llc (ga)
Classification: Uncertain significance. Last evaluated: 2018-03-19. Review status: criteria provided, single submitter. Criteria: EGL ClinVar v180209 classification definitions. Collection method: clinical testing. Allele origin: germline. Observed: 1 variant allele, 1 heterozygote.

GeneDx
Classification: Likely benign. Last evaluated: 2016-09-20. Review status: criteria provided, single submitter. Criteria: GeneDx Variant Classification (06012015). Collection method: clinical testing. Allele origin: germline. Affected: yes.
Comment: This variant is considered likely benign or benign based on one or more of the following criteria: it is a conservative change, it occurs at a poorly conserved position in the protein, it is predicted to be benign by multiple in silico algorithms, and/or has population frequency not consistent with disease.

NM_001849.4(COL6A2):c.1117-9C>T

Gene: COL6A2 (collagen type VI alpha 2 chain; plus strand). Cytogenetic location: 21q22.3.
Variant type: single nucleotide variant.
Coding change: c.1117-9C>T on transcript NM_001849.4 (MANE Select); 9 bases into the intron before coding-DNA position 1117, C replaced by T.
Molecular consequence: intron variant.
Genome position (GRCh38, 1-based): chr21:46,118,605, C>T. VCF-style: chr21-46118605-C-T. GRCh37 (hg19) VCF-style: chr21-47538519-C-T.
Other names: c.1117-9C>T (NM_058175.3, NM_058174.3).
Identifiers: ClinVar variation 389273 (VCV000389273.5), dbSNP rs1057523383, ClinGen allele CA16608539.
Genomic context (GRCh38, chr21:46,118,605, plus strand): 5'-CGCAGCGGGCATCCTGCACCCCCCTTCCCCTGCCAAAAGACGTGAGGCTGATTCTGCAAA[C>T]CCTTCCAGGGGGACCCTGGCCGCCCAGGACGCAGAGGGCCCCCGGGAGAAATCGGGGCCA-3'